The following is an entry in ClinVar:

ClinVar aggregate classification (germline): Likely benign. Review status: criteria provided, multiple submitters, no conflicts (2 of 4 stars). 3 submissions from 3 submitters: Likely benign (3). Last evaluated 2025-11-13.

Conditions:
Developmental and epileptic encephalopathy, 14 (DEE14). Also called: Early infantile epileptic encephalopathy 14. Identifiers: Orphanet 293181, MedGen C3554195, MONDO:0013989, OMIM 614959.
Autosomal dominant nocturnal frontal lobe epilepsy 5. Also called: KCNT1-Related Epilepsy; Epilepsy, nocturnal frontal lobe, 5; CILIARY DYSKINESIA, PRIMARY, 28, WITHOUT SITUS INVERSUS; CILIARY DYSKINESIA, PRIMARY, 28, WITH SITUS INVERSUS. Identifiers: Orphanet 98784, MedGen C3554306, MONDO:0014002, OMIM 615005.

Allele frequency attached by ClinVar (database versions not stated): TOPMed below 0.00001; gnomAD 0.00001; gnomAD exomes 0.00001 and 0.00002; ESP Exome Variant Server 0.00008.
gnomAD v4.1: 14 of 1,613,460 alleles (0.00087%); highest among the groups gnomAD compares: South Asian, 0.0044%; no homozygotes.

Submissions (3):

Labcorp Genetics (formerly Invitae), Labcorp
Classification: Likely benign for Autosomal dominant nocturnal frontal lobe epilepsy 5; Developmental and epileptic encephalopathy, 14. Last evaluated: 2025-11-13. Review status: criteria provided, single submitter. Criteria: Invitae Variant Classification Sherloc (09022015). Collection method: clinical testing. Allele origin: germline.

Women's Health and Genetics/Laboratory Corporation of America, LabCorp
Classification: Likely benign. Last evaluated: 2024-12-02. Review status: criteria provided, single submitter. Criteria: LabCorp Variant Classification Summary - May 2015. Collection method: clinical testing. Allele origin: germline.

CeGaT Center for Human Genetics Tuebingen
Classification: Likely benign. Last evaluated: 2023-03-01. Review status: criteria provided, single submitter. Criteria: CeGaT Center For Human Genetics Tuebingen Variant Classification Criteria Version 2. Collection method: clinical testing. Allele origin: germline. Affected: yes. Observed: 1 variant allele.
Comment: KCNT1: BP4, BP7

NM_020822.3(KCNT1):c.1464C>T (p.Tyr488=)

Gene: KCNT1 (potassium sodium-activated channel subfamily T member 1; plus strand). Cytogenetic location: 9q34.3.
Variant type: single nucleotide variant.
Coding change: c.1464C>T on transcript NM_020822.3 (MANE Select); coding-DNA position 1464, C replaced by T.
Protein change: p.Tyr488=; no amino-acid change (tyrosine 488 retained).
Molecular consequence: synonymous variant.
Genome position (GRCh38, 1-based): chr9:135,768,891, C>T. VCF-style: chr9-135768891-C-T. GRCh37 (hg19) VCF-style: chr9-138660737-C-T.
Other names: c.1329C>T, p.Tyr443= (NM_001272003.2).
Identifiers: ClinVar variation 761417 (VCV000761417.37), dbSNP rs375585422, ClinGen allele CA201472041.